The following is an entry in ClinVar:

ClinVar aggregate classification (germline): Benign. Review status: criteria provided, multiple submitters, no conflicts (2 of 4 stars). 2 submissions from 2 submitters: Benign (2). Last evaluated 2018-01-12.

Conditions:
Neonatal diabetes mellitus with congenital hypothyroidism. Also called: NDH SYNDROME. Identifiers: Orphanet 79118, MedGen C1857775, MONDO:0012436, OMIM 610199.

Allele frequency attached by ClinVar (database versions not stated): TOPMed 0.25186; gnomAD 0.26355 and 0.27229; 1000 Genomes Project 0.27835; 1000 Genomes Project 30x 0.27920; gnomAD exomes 0.32538.
gnomAD v4.1: 69,449 of 238,864 alleles (29%); highest among the groups gnomAD compares: South Asian, 46%; 11,374 homozygotes.

Submissions (2):

Illumina Laboratory Services, Illumina
Classification: Benign for Neonatal diabetes mellitus with congenital hypothyroidism. Last evaluated: 2018-01-12. Review status: criteria provided, single submitter. Criteria: ICSL Variant Classification Criteria 13 December 2019. Collection method: clinical testing. Allele origin: germline.
Comment: This variant was observed in the ICSL laboratory as part of a predisposition screen in an ostensibly healthy population. It had not been previously curated by ICSL or reported in the Human Gene Mutation Database (HGMD: prior to June 1st, 2018), and was therefore a candidate for classification through an automated scoring system. Utilizing variant allele frequency, disease prevalence and penetrance estimates, and inheritance mode, an automated score was calculated to assess if this variant is too frequent to cause the disease. Based on the score and internal cut-off values, a variant classified as benign is not then subjected to further curation. The score for this variant resulted in a classification of benign for this disease.

Breakthrough Genomics
Classification: Benign. Review status: criteria provided, single submitter. Criteria: ACMG Guidelines, 2015. Collection method: not provided. Allele origin: germline. Inheritance: Autosomal recessive inheritance. Affected: yes.

NM_001042413.2(GLIS3):c.*448G>A

Gene: GLIS3 (GLIS family zinc finger 3; minus strand). Cytogenetic location: 9p24.2.
Variant type: single nucleotide variant.
Coding change: c.*448G>A on transcript NM_001042413.2 (MANE Select); 448 bases downstream of the stop codon, G replaced by A.
Molecular consequence: 3 prime UTR variant.
Genome position (GRCh38, 1-based): chr9:3,827,824, C>T on the plus strand (G>A on the coding strand, the complement: GLIS3 is on the minus strand). VCF-style: chr9-3827824-C-T. GRCh37 (hg19) VCF-style: chr9-3827824-C-T.
Other names: c.*448G>A (NM_152629.4).
Identifiers: ClinVar variation 366949 (VCV000366949.6), dbSNP rs734752, ClinGen allele CA10633760.